The following is an entry in ClinVar:

NM_138691.3(TMC1):c.59G>C (p.Ser20Thr)

Gene: TMC1 (transmembrane channel like 1; plus strand). Cytogenetic location: 9q21.13.
Variant type: single nucleotide variant.
Coding change: c.59G>C on transcript NM_138691.3 (MANE Select); coding-DNA position 59, G replaced by C.
Protein change: p.Ser20Thr; replaces serine 20 with threonine.
Molecular consequence: missense variant.
Genome position (GRCh38, 1-based): chr9:72,688,751, G>C. VCF-style: chr9-72688751-G-C. GRCh37 (hg19) VCF-style: chr9-75303667-G-C.
Other names: short protein forms S20T.
Identifiers: ClinVar variation 1320604 (VCV001320604.11), dbSNP rs189479995, ClinGen allele CA5081585.

ClinVar aggregate classification (germline): Uncertain significance. Review status: criteria provided, multiple submitters, no conflicts (2 of 4 stars). 3 submissions from 3 submitters: Uncertain significance (3). Last evaluated 2025-03-06.

Conditions:
Inborn genetic diseases. Identifiers: MedGen C0950123, MeSH D030342.

Allele frequency attached by ClinVar (database versions not stated): gnomAD exomes 0.00005; ExAC 0.00006; 1000 Genomes Project 30x 0.00016; 1000 Genomes Project 0.00020.
gnomAD v4.1: 47 of 1,611,610 alleles (0.0029%); highest among the groups gnomAD compares: Admixed American, 0.067%; no homozygotes.

Submissions (3):

GeneDx
Classification: Uncertain significance. Last evaluated: 2025-03-06. Review status: criteria provided, single submitter. Criteria: GeneDx Variant Classification Process June 2021. Collection method: clinical testing. Allele origin: germline. Affected: yes.
Comment: In silico analysis indicates that this missense variant does not alter protein structure/function; Has not been previously published as pathogenic or benign to our knowledge

Ambry Genetics
Classification: Uncertain significance for Inborn genetic diseases. Last evaluated: 2024-06-25. Review status: criteria provided, single submitter. Criteria: Ambry Variant Classification Scheme 2023. Collection method: clinical testing. Allele origin: germline.

Labcorp Genetics (formerly Invitae), Labcorp
Classification: Uncertain significance. Last evaluated: 2022-04-15. Review status: criteria provided, single submitter. Criteria: Invitae Variant Classification Sherloc (09022015). Collection method: clinical testing. Allele origin: germline.
Comment: This sequence change replaces serine, which is neutral and polar, with threonine, which is neutral and polar, at codon 20 of the TMC1 protein (p.Ser20Thr). This variant is present in population databases (rs189479995, gnomAD 0.03%). This variant has not been reported in the literature in individuals affected with TMC1-related conditions. ClinVar contains an entry for this variant (Variation ID: 1320604). Algorithms developed to predict the effect of missense changes on protein structure and function are either unavailable or do not agree on the potential impact of this missense change (SIFT: "Tolerated"; PolyPhen-2: "Not Available"; Align-GVGD: "Class C0"). In summary, the available evidence is currently insufficient to determine the role of this variant in disease. Therefore, it has been classified as a Variant of Uncertain Significance.